The following is an entry in ClinVar:

NM_014989.7(RIMS1):c.4923C>T (p.Ile1641=)

Gene: RIMS1 (regulating synaptic membrane exocytosis 1; plus strand). Cytogenetic location: 6q13.
Variant type: single nucleotide variant.
Coding change: c.4923C>T on transcript NM_014989.7 (MANE Select); coding-DNA position 4923, C replaced by T.
Protein change: p.Ile1641=; no amino-acid change (isoleucine 1641 retained).
Molecular consequence: synonymous variant.
Genome position (GRCh38, 1-based): chr6:72,400,558, C>T. VCF-style: chr6-72400558-C-T. GRCh37 (hg19) VCF-style: chr6-73110260-C-T.
Other names: c.2883C>T, p.Ile961= (NM_001168407.2); c.2298C>T, p.Ile766= (NM_001168408.2, NM_001350430.2); c.2127C>T, p.Ile709= (NM_001168409.2); c.2325C>T, p.Ile775= (NM_001168410.2); c.504C>T, p.Ile168= (NM_001168411.2); c.2844C>T, p.Ile948= (NM_001350414.2); c.2940C>T, p.Ile980= (NM_001350415.2); c.2889C>T, p.Ile963= (NM_001350416.2); and 54 more.
Identifiers: ClinVar variation 771400 (VCV000771400.15), dbSNP rs144188801, ClinGen allele CA3886633.

ClinVar aggregate classification (germline): Benign/Likely benign. Review status: criteria provided, multiple submitters, no conflicts (2 of 4 stars). 3 submissions from 3 submitters: Benign (2); Likely benign (1). Last evaluated 2026-01-11.

Conditions:
Cone-rod dystrophy 7 (CORD7). Identifiers: Orphanet 1872, MedGen C1863634, MONDO:0011355, OMIM 603649.

Allele frequency attached by ClinVar (database versions not stated): gnomAD exomes 0.00020 and 0.00058; ExAC 0.00058; 1000 Genomes Project 30x 0.00234; 1000 Genomes Project 0.00240; gnomAD 0.00241 and 0.00249; ESP Exome Variant Server 0.00242; TOPMed 0.00269.
gnomAD v4.1: 670 of 1,614,022 alleles (0.042%); highest among the groups gnomAD compares: African/African-American, 0.76%; 1 homozygote.

Submissions (3):

Labcorp Genetics (formerly Invitae), Labcorp
Classification: Benign. Last evaluated: 2026-01-11. Review status: criteria provided, single submitter. Criteria: Invitae Variant Classification Sherloc (09022015). Collection method: clinical testing. Allele origin: germline.

Blueprint Genetics
Classification: Likely benign. Last evaluated: 2024-10-09. Review status: criteria provided, single submitter. Criteria: ACMG Guidelines, 2015. Collection method: clinical testing. Allele origin: germline.

Illumina Laboratory Services, Illumina
Classification: Benign for Cone-rod dystrophy 7. Last evaluated: 2018-01-13. Review status: criteria provided, single submitter. Criteria: ICSL Variant Classification Criteria 13 December 2019. Collection method: clinical testing. Allele origin: germline.
Comment: This variant was observed in the ICSL laboratory as part of a predisposition screen in an ostensibly healthy population. It had not been previously curated by ICSL or reported in the Human Gene Mutation Database (HGMD: prior to June 1st, 2018), and was therefore a candidate for classification through an automated scoring system. Utilizing variant allele frequency, disease prevalence and penetrance estimates, and inheritance mode, an automated score was calculated to assess if this variant is too frequent to cause the disease. Based on the score and internal cut-off values, a variant classified as benign is not then subjected to further curation. The score for this variant resulted in a classification of benign for this disease.